The following is an entry in ClinVar:

ClinVar aggregate classification (germline): Pathogenic. Review status: criteria provided, multiple submitters, no conflicts (2 of 4 stars). 14 submissions from 13 submitters: Pathogenic (10). 4 of the submissions do not count toward it. Last evaluated 2026-09-01.

Conditions:
Dystonia, childhood-onset, with optic atrophy and basal ganglia abnormalities (DYTOABG). Also called: DYSTONIA 29, CHILDHOOD-ONSET; MECR-Related Neurologic Disorder. Identifiers: Orphanet 508093, MedGen C4310634, MONDO:0015003, OMIM 617282.
Optic atrophy 16 (OPA16). Identifiers: MedGen C5882723, MONDO:0957978, OMIM 620629.
MECR-related disorder. Also called: MECR-related condition.
MECR-related disorders.
Childhood Onset Dystonias. Identifiers: MedGen C0752202.
Optic atrophy. Identifiers: MedGen C0029124, MONDO:0003608, HP:0000648.

Allele frequency attached by ClinVar (database versions not stated): gnomAD 0.00006 and 0.00007; gnomAD exomes 0.00006 and 0.00008; TOPMed 0.00006; ExAC 0.00008; ESP Exome Variant Server 0.00023.
gnomAD v4.1: 130 of 1,613,706 alleles (0.0081%); highest among the groups gnomAD compares: Middle Eastern, 0.016%; no homozygotes.

Submissions (14):

CeGaT Center for Human Genetics Tuebingen
Classification: Pathogenic. Last evaluated: 2026-09-01. Review status: criteria provided, single submitter. Criteria: CeGaT Center For Human Genetics Tuebingen Variant Classification Criteria Version 2. Collection method: clinical testing. Allele origin: germline. Affected: yes. Observed: 2 variant alleles.
Comment: MECR: PM3:Strong, PP1:Strong, PM2, PS3:Supporting

GeneDx
Classification: Pathogenic. Last evaluated: 2026-06-30. Review status: criteria provided, single submitter. Criteria: GeneDx Variant Classification Process June 2021. Collection method: clinical testing. Allele origin: germline.
Comment: Published functional studies demonstrate a damaging effect (PMID: 37653044, 41021813); In silico analysis supports that this missense variant has a deleterious effect on protein structure/function; Not observed at significant frequency in large population cohorts (gnomAD); This variant is associated with the following publications: (PMID: 35872528, 32313153, 31137067, Haumann2023[article], 27817865, 38296034, 33098801, 37734847, 41021813, 37653044)

Labcorp Genetics (formerly Invitae), Labcorp
Classification: Pathogenic. Last evaluated: 2026-01-20. Review status: criteria provided, single submitter. Criteria: Invitae Variant Classification Sherloc (09022015). Collection method: clinical testing. Allele origin: germline.
Comment: This sequence change replaces arginine, which is basic and polar, with tryptophan, which is neutral and slightly polar, at codon 258 of the MECR protein (p.Arg258Trp). This variant is present in population databases (rs145192716, gnomAD 0.01%). This missense change has been observed in individual(s) with childhood-onset dystonia (PMID: 27817865, 31137067). In at least one individual the data is consistent with being in trans (on the opposite chromosome) from a pathogenic variant. It has also been observed to segregate with disease in related individuals. ClinVar contains an entry for this variant (Variation ID: 374882). Invitae Evidence Modeling of protein sequence and biophysical properties (such as structural, functional, and spatial information, amino acid conservation, physicochemical variation, residue mobility, and thermodynamic stability) indicates that this missense variant is expected to disrupt MECR protein function with a positive predictive value of 80%. Studies have shown that this missense change alters MECR gene expression (PMID: 27817865). For these reasons, this variant has been classified as Pathogenic.

3billion
Classification: Pathogenic for MECR-related disorder. Last evaluated: 2026-01-09. Review status: criteria provided, single submitter. Criteria: ACMG Guidelines, 2015. Collection method: clinical testing. Allele origin: germline. Affected: yes.
Comment: The variant is observed at an extremely low frequency in the gnomAD v4.1.0 dataset (total allele frequency: 0.008%). Predicted Consequence/Location: Missense variant. The majority of the known disease-causing variants of this gene are variants expected to result in premature termination of the protein. Functional studies provide strong evidence of the variant having a damaging effect on the gene or gene product (PMID: 37734847). The same nucleotide change resulting in the same amino acid change has been previously reported as pathogenic/likely pathogenic with strong evidence (ClinVar ID: VCV000374882 /PMID: 27817865 /3billion dataset). The variant has been reported to be in trans with a pathogenic variant as either compound heterozygous or homozygous in at least one similarly affected unrelated individual (PMID: 31137067). Therefore, this variant is classified as Pathogenic according to the recommendation of ACMG/AMP guideline.

Women's Health and Genetics/Laboratory Corporation of America, LabCorp
Classification: Pathogenic for Dystonia, childhood-onset, with optic atrophy and basal ganglia abnormalities. Last evaluated: 2025-02-10. Review status: criteria provided, single submitter. Criteria: LabCorp Variant Classification Summary - May 2015. Collection method: clinical testing. Allele origin: germline.
Comment: Variant summary: MECR c.772C>T (p.Arg258Trp) results in a non-conservative amino acid change in the encoded protein sequence. Four of five in-silico tools predict a damaging effect of the variant on protein function. The variant allele was found at a frequency of 6.4e-05 in 251270 control chromosomes. This frequency is not significantly higher than estimated for a pathogenic variant in MECR causing Dystonia, Childhood-Onset, With Optic Atrophy And Basal Ganglia Abnormalities, allowing no conclusion about variant significance. c.772C>T has been reported in the literature in multiple individuals affected with MECR related disorders (Riley_2020, Fiorini_2023). These data indicate that the variant is very likely to be associated with disease. At least one publication reports experimental evidence evaluating an impact on protein function. The most pronounced variant effect results in about 30% of normal protein expression (Fiorini_2023). The following publications have been ascertained in the context of this evaluation (PMID: 37734847, 32313153). ClinVar contains an entry for this variant (Variation ID: 374882). Based on the evidence outlined above, the variant was classified as pathogenic.

Revvity Omics, Revvity
Classification: Pathogenic. Last evaluated: 2024-11-21. Review status: criteria provided, single submitter. Criteria: ACMG Guidelines, 2015. Collection method: clinical testing. Allele origin: germline.

Victorian Clinical Genetics Services, Murdoch Childrens Research Institute
Classification: Pathogenic for Dystonia, childhood-onset, with optic atrophy and basal ganglia abnormalities. Last evaluated: 2024-09-20. Review status: criteria provided, single submitter. Criteria: ACMG Guidelines, 2015. Collection method: clinical testing. Allele origin: germline. Inheritance: Autosomal recessive inheritance. Affected: yes.
Comment: Based on the classification scheme VCGS_Germline_v1.3.4, this variant is classified as Pathogenic. Following criteria are met: 0102 - Loss of function is a known mechanism of disease in this gene and is associated with dystonia, childhood-onset, with optic atrophy and basal ganglia abnormalities (MIM#617282). (I) 0106 - This gene is associated with autosomal recessive disease. (I) 0200 - Variant is predicted to result in a missense amino acid change from arginine to tryptophan. (I) 0252 - This variant is homozygous. (I) 0304 - Variant is present in gnomAD <0.01 for a recessive condition (v2: 18 heterozygotes, 0 homozygotes). (SP) 0309 - Multiple alternative amino acid changes at the same position have been observed in gnomAD (v2 and v3) (highest allele count: 587 heterozygotes, 2 homozygotes). (I) 0502 - Missense variant with conflicting in silico predictions and uninformative conservation. (I) 0600 - Variant is located in the annotated zinc-binding dehydrogenase domain (DECIPHER). (I) 0710 - Another missense variant comparable to the one identified in this case has inconclusive previous evidence for pathogenicity. p.(Arg258Leu) has been classified once as benign; however, with no supporting evidence (ClinVar). (I) 0801 - This variant has strong previous evidence of pathogenicity in unrelated individuals. This variant has been classified as pathogenic in ClinVar, and has been observed as compound heterozygous with loss of function variants in two families with childhood onset dystonia and other MECR-related features, and as homozygous in one family with adult onset optic atrophy (PMID: 27817865, 37734847, 31137067). (SP) 0901 - This variant has strong evidence for segregation with disease. This variant has segregated with disease in multiple families with affected individuals either compound heterozygous or homozygous for the variant, and unaffected heterozygous relatives (PMID: 27817865, 37734847, 31137067). (SP) 1002 - This variant has moderate functional evidence supporting abnormal protein function. Studies in yeast and patient fibroblasts with this variant (both compound heterozygous and homozygous) showed decreased MECR protein levels. Yeast also showed impaired mitochondrial oxidative phosphorylation, however this was not reproduced in patient fibroblasts (PMID: 27817865, 37734847). Null flies rescued with this variant showed an age-related climbing defect indicative of neurodegeneration (PMID: 37653044). (SP) 1208 - Inheritance information for this variant is not currently available in this individual. (I) Legend: (SP) - Supporting pathogenic, (I) - Information, (SB) - Supporting benign

Blueprint Genetics
Classification: Pathogenic for MECR-related disorders. Last evaluated: 2024-06-14. Review status: criteria provided, single submitter. Criteria: ACMG Guidelines, 2015. Collection method: clinical testing. Allele origin: germline. Affected: yes. Observed: 5 variant alleles.

Institute of Human Genetics Munich, TUM University Hospital
Classification: Pathogenic for Dystonia, childhood-onset, with optic atrophy and basal ganglia abnormalities. Last evaluated: 2023-12-22. Review status: criteria provided, single submitter. Criteria: Classification criteria August 2017. Collection method: clinical testing. Allele origin: paternal. Inheritance: Autosomal recessive inheritance. Affected: yes. Observed: 1 variant allele.

Kids Research, The Children's Hospital at Westmead
Classification: Pathogenic for Dystonia, childhood-onset, with optic atrophy and basal ganglia abnormalities. Review status: criteria provided, single submitter. Criteria: ACMG Guidelines, 2015. Collection method: research. Allele origin: inherited. Inheritance: Autosomal recessive inheritance. Affected: yes.

OMIM
Classification: Pathogenic for DYSTONIA, CHILDHOOD-ONSET, WITH OPTIC ATROPHY AND BASAL GANGLIA ABNORMALITIES. Last evaluated: 2024-01-08. Review status: no assertion criteria provided. Collection method: literature only. Allele origin: germline. Not counted in ClinVar's aggregate classification.

OMIM
Classification: Pathogenic for OPTIC ATROPHY 16. Last evaluated: 2024-01-08. Review status: no assertion criteria provided. Collection method: literature only. Allele origin: germline. Not counted in ClinVar's aggregate classification.

University of Washington Center for Mendelian Genomics, University of Washington
Classification: Likely pathogenic for Childhood Onset Dystonias; Optic atrophy. Last evaluated: 2016-12-01. Review status: no assertion criteria provided. Collection method: research. Allele origin: unknown. Affected: yes. Observed: 2 variant alleles. Not counted in ClinVar's aggregate classification.

Department of Pathology and Laboratory Medicine, Sinai Health System
Classification: Uncertain significance for Dystonia, childhood-onset, with optic atrophy and basal ganglia abnormalities; Optic atrophy 16. Last evaluated: 2022-03-21. Review status: flagged submission. Criteria: ACMG Guidelines, 2015. Collection method: research. Allele origin: germline. Not counted in ClinVar's aggregate classification.
ClinVar note: Reason: Outlier claim with insufficient supporting evidence

Literature cited by the submitters: PubMed 27817865 (cited by 5 submitters); PubMed 31137067 (cited by 3 submitters); PubMed 37734847 (cited by 4 submitters); PubMed 32313153 (cited by Women's Health and Genetics/Laboratory Corporation of America, LabCorp and Kids Research, The Children's Hospital at Westmead); PubMed 37653044 (cited by Victorian Clinical Genetics Services, Murdoch Childrens Research Institute).

NM_016011.4(MECR):c.772C>T (p.Arg258Trp)

Gene: MECR (mitochondrial trans-2-enoyl-CoA reductase; minus strand). Cytogenetic location: 1p35.3.
Variant type: single nucleotide variant.
Coding change: c.772C>T on transcript NM_016011.4; coding-DNA position 772, C replaced by T.
Protein change: p.Arg258Trp; replaces arginine 258 with tryptophan.
Molecular consequence: missense variant (on NM_016011.5). On other transcripts: non-coding transcript variant (4).
Genome position (GRCh38, 1-based): chr1:29,200,574, G>A on the plus strand (C>T on the coding strand, the complement: MECR is on the minus strand). VCF-style: chr1-29200574-G-A. GRCh37 (hg19) VCF-style: chr1-29527086-G-A.
Other names: c.772C>T (NM_016011.2); c.544C>T, p.Arg182Trp (NM_001024732.4, NM_001349711.2, NM_001349712.2 and 2 more transcripts); c.877C>T, p.Arg293Trp (NM_001349715.2); c.856C>T, p.Arg286Trp (NM_001349716.2); c.622C>T, p.Arg208Trp (NM_001349717.2); c.772C>T, p.Arg258Trp (NM_016011.5); short protein forms R258W, R182W, R286W, R208W, R293W.
Identifiers: ClinVar variation 374882 (VCV000374882.25), dbSNP rs145192716, ClinGen allele CA725666.